The following is an entry in ClinVar:

ClinVar aggregate classification (germline): Uncertain significance (1 of 4 stars; one submission).

Submission:

GeneDx
Classification: Uncertain significance. Last evaluated: 2024-06-02. Review status: criteria provided, single submitter. Criteria: GeneDx Variant Classification Process June 2021. Collection method: clinical testing. Allele origin: germline. Affected: yes.
Comment: Not observed at significant frequency in large population cohorts (gnomAD); In silico analysis supports that this missense variant has a deleterious effect on protein structure/function; Has not been previously published as pathogenic or benign to our knowledge

NM_004301.5(ACTL6A):c.267A>C (p.Lys89Asn)

Gene: ACTL6A (actin like 6A; plus strand). Cytogenetic location: 3q26.33.
Variant type: single nucleotide variant.
Coding change: c.267A>C on transcript NM_004301.5 (MANE Select); coding-DNA position 267, A replaced by C.
Protein change: p.Lys89Asn; replaces lysine 89 with asparagine.
Molecular consequence: missense variant.
Genome position (GRCh38, 1-based): chr3:179,570,231, A>C. VCF-style: chr3-179570231-A-C. GRCh37 (hg19) VCF-style: chr3-179288019-A-C.
Other names: c.141A>C, p.Lys47Asn (NM_177989.4, NM_178042.4); short protein forms K47N, K89N.
Identifiers: ClinVar variation 3390666 (VCV003390666.1).
Genomic context (GRCh38, chr3:179,570,231, plus strand): 5'-CATAGATACTAATGCTCTGCGTGTTCCGAGGGAGAATATGGAGGCCATTTCACCTCTAAA[A>C]AATGGGATGGGTATGATGTTTTCCCCATGGAATTGATTATGGAGTGTACATGTTATATTT-3'
Protein context (NP_004292.1, residues 79-99): RENMEAISPL[Lys89Asn]NGMVEDWDSF